The following is an entry in ClinVar:

NM_001161352.2(KCNMA1):c.1744A>G (p.Ile582Val)

Gene: KCNMA1 (potassium calcium-activated channel subfamily M alpha 1; minus strand). Cytogenetic location: 10q22.3.
Variant type: single nucleotide variant.
Coding change: c.1744A>G on transcript NM_001161352.2 (MANE Select); coding-DNA position 1744, A replaced by G.
Protein change: p.Ile582Val; replaces isoleucine 582 with valine.
Molecular consequence: missense variant.
Genome position (GRCh38, 1-based): chr10:77,073,102, T>C on the plus strand (A>G on the coding strand, the complement: KCNMA1 is on the minus strand). VCF-style: chr10-77073102-T-C. GRCh37 (hg19) VCF-style: chr10-78832860-T-C.
Other names: c.1744A>G, p.Ile582Val (NM_002247.4, NM_001014797.3, NM_001161353.2 and 8 more transcripts); c.1582A>G, p.Ile528Val (NM_001271518.2); c.1204A>G, p.Ile402Val (NM_001322838.2); short protein forms I402V, I528V, I582V.
Identifiers: ClinVar variation 2845714 (VCV002845714.3), dbSNP rs2096270686, ClinGen allele CA377404672.
Genomic context (GRCh38, chr10:77,073,102, plus strand): 5'-ACCCCACGACAAATGGAATCCCGAGCTAATGTGCTCTAATAAGACGAGACGTTACCTTTA[T>C]GAATGACCTCATGGAGAAGAGGTTGGCAAGCATGGTGGAGAGGCCTTGAGCCAGGCAGCT-3'
Protein context (NP_001154824.1, residues 572-592): LANLFSMRSF[Ile582Val]KIEEDTWQKY

ClinVar aggregate classification (germline): Uncertain significance (1 of 4 stars; one submission).

Conditions:
Generalized epilepsy-paroxysmal dyskinesia syndrome (PNKD3). Also called: Generalized epilepsy and paroxysmal dyskinesia; Paroxysmal nonkinesigenic dyskinesia, 3, with or without generalized epilepsy. Identifiers: Orphanet 79137, MedGen C5574945, MONDO:0012276, OMIM 609446.

Allele frequency attached by ClinVar (database versions not stated): TOPMed below 0.00001.
gnomAD v4.1: 3 of 1,614,130 alleles (0.00019%); highest among the groups gnomAD compares: Non-Finnish European, 0.00017%; no homozygotes.

Submission:

Labcorp Genetics (formerly Invitae), Labcorp
Classification: Uncertain significance for Generalized epilepsy-paroxysmal dyskinesia syndrome. Last evaluated: 2023-07-26. Review status: criteria provided, single submitter. Criteria: Invitae Variant Classification Sherloc (09022015). Collection method: clinical testing. Allele origin: germline.
Comment: In summary, the available evidence is currently insufficient to determine the role of this variant in disease. Therefore, it has been classified as a Variant of Uncertain Significance. Advanced modeling of protein sequence and biophysical properties (such as structural, functional, and spatial information, amino acid conservation, physicochemical variation, residue mobility, and thermodynamic stability) performed at Invitae indicates that this missense variant is not expected to disrupt KCNMA1 protein function. This variant has not been reported in the literature in individuals affected with KCNMA1-related conditions. This variant is not present in population databases (gnomAD no frequency). This sequence change replaces isoleucine, which is neutral and non-polar, with valine, which is neutral and non-polar, at codon 582 of the KCNMA1 protein (p.Ile582Val).